The following is an entry in ClinVar:

ClinVar aggregate classification (germline): Uncertain significance (1 of 4 stars; one submission).

Submission:

GeneDx
Classification: Uncertain significance. Last evaluated: 2024-02-06. Review status: criteria provided, single submitter. Criteria: GeneDx Variant Classification Process June 2021. Collection method: clinical testing. Allele origin: germline. Affected: yes.
Comment: Not observed at significant frequency in large population cohorts (gnomAD); In silico analysis supports that this missense variant has a deleterious effect on protein structure/function; Has not been previously published as pathogenic or benign to our knowledge; This variant is associated with the following publications: (PMID: 25240749)

NM_001854.4(COL11A1):c.4295G>C (p.Gly1432Ala)

Gene: COL11A1 (collagen type XI alpha 1 chain; minus strand). Cytogenetic location: 1p21.1.
Variant type: single nucleotide variant.
Coding change: c.4295G>C on transcript NM_001854.4 (MANE Select); coding-DNA position 4295, G replaced by C.
Protein change: p.Gly1432Ala; replaces glycine 1432 with alanine.
Molecular consequence: missense variant. On other transcripts: non-coding transcript variant (1).
Genome position (GRCh38, 1-based): chr1:102,898,132, C>G on the plus strand (G>C on the coding strand, the complement: COL11A1 is on the minus strand). VCF-style: chr1-102898132-C-G. GRCh37 (hg19) VCF-style: chr1-103363688-C-G.
Other names: c.4178G>C, p.Gly1393Ala (NM_001190709.2); c.4331G>C, p.Gly1444Ala (NM_080629.3); c.3947G>C, p.Gly1316Ala (NM_080630.4); short protein forms G1316A, G1393A, G1432A, G1444A.
Identifiers: ClinVar variation 3368924 (VCV003368924.1).